The following is an entry in ClinVar:

ClinVar aggregate classification (germline): Uncertain significance (1 of 4 stars; one submission).

Conditions:
Hereditary cancer-predisposing syndrome. Also called: Hereditary Cancer Syndrome; Tumor predisposition; Hereditary neoplastic syndrome; Neoplastic Syndromes, Hereditary. Identifiers: Orphanet 140162, MedGen C0027672, MeSH D009386, MONDO:0015356.

Submission:

Ambry Genetics
Classification: Uncertain significance for Hereditary cancer-predisposing syndrome. Last evaluated: 2024-06-07. Review status: criteria provided, single submitter. Criteria: Ambry Variant Classification Scheme 2023. Collection method: clinical testing. Allele origin: germline.
Comment: The p.A758G variant (also known as c.2273C>G), located in coding exon 11 of the BARD1 gene, results from a C to G substitution at nucleotide position 2273. The alanine at codon 758 is replaced by glycine, an amino acid with similar properties. This amino acid position is conserved. In addition, the in silico prediction for this alteration is inconclusive. Based on the available evidence, the clinical significance of this variant remains unclear.

NM_000465.4(BARD1):c.2273C>G (p.Ala758Gly)

Gene: BARD1 (BRCA1 associated RING domain 1; minus strand). Cytogenetic location: 2q35.
Variant type: single nucleotide variant.
Coding change: c.2273C>G on transcript NM_000465.4 (MANE Select); coding-DNA position 2273, C replaced by G.
Protein change: p.Ala758Gly; replaces alanine 758 with glycine.
Molecular consequence: missense variant. On other transcripts: non-coding transcript variant (3).
Genome position (GRCh38, 1-based): chr2:214,728,737, G>C on the plus strand (C>G on the coding strand, the complement: BARD1 is on the minus strand). VCF-style: chr2-214728737-G-C. GRCh37 (hg19) VCF-style: chr2-215593461-G-C.
Other names: c.2216C>G, p.Ala739Gly (NM_001282543.2); c.920C>G, p.Ala307Gly (NM_001282545.2); c.863C>G, p.Ala288Gly (NM_001282548.2); c.734C>G, p.Ala245Gly (NM_001282549.2); short protein forms A288G, A307G, A739G, A758G, A245G.
Identifiers: ClinVar variation 3260452 (VCV003260452.1).